The following is an entry in ClinVar:

NM_178140.4(PDZD2):c.4726G>A (p.Gly1576Ser)

Gene: PDZD2 (PDZ domain containing 2; plus strand). Cytogenetic location: 5p13.3.
Variant type: single nucleotide variant.
Coding change: c.4726G>A on transcript NM_178140.4 (MANE Select); coding-DNA position 4726, G replaced by A.
Protein change: p.Gly1576Ser; replaces glycine 1576 with serine.
Molecular consequence: missense variant.
Genome position (GRCh38, 1-based): chr5:32,088,174, G>A. VCF-style: chr5-32088174-G-A. GRCh37 (hg19) VCF-style: chr5-32088280-G-A.
Other names: short protein forms G1576S.
Identifiers: ClinVar variation 782814 (VCV000782814.5), dbSNP rs138759971, ClinGen allele CA3219779.

ClinVar aggregate classification (germline): Likely benign. Review status: criteria provided, single submitter (1 of 4 stars). 2 submissions from 2 submitters: Likely benign (1). 1 of the submissions does not count toward it. Last evaluated 2018-05-08.

Conditions:
PDZD2-related disorder. Also called: PDZD2-related condition.

Allele frequency attached by ClinVar (database versions not stated): ESP Exome Variant Server 0.00008; gnomAD exomes 0.00009 and 0.00047; gnomAD 0.00027 and 0.00036; TOPMed 0.00032; ExAC 0.00044; 1000 Genomes Project 30x 0.00156; 1000 Genomes Project 0.00180.
gnomAD v4.1: 216 of 1,614,056 alleles (0.013%); highest among the groups gnomAD compares: East Asian, 0.34%; 2 homozygotes.

Submissions (2):

Labcorp Genetics (formerly Invitae), Labcorp
Classification: Likely benign. Last evaluated: 2018-05-08. Review status: criteria provided, single submitter. Criteria: Invitae Variant Classification Sherloc (09022015). Collection method: clinical testing. Allele origin: germline.

PreventionGenetics, part of Exact Sciences
Classification: Likely benign for PDZD2-related condition. Last evaluated: 2019-12-09. Review status: no assertion criteria provided. Collection method: clinical testing. Allele origin: germline. Not counted in ClinVar's aggregate classification.
Comment: This variant is classified as likely benign based on ACMG/AMP sequence variant interpretation guidelines (Richards et al. 2015 PMID: 25741868, with internal and published modifications).